The following is an entry in ClinVar:

NM_000059.4(BRCA2):c.5420A>T (p.Asp1807Val)

Gene: BRCA2 (BRCA2 DNA repair associated; plus strand). Cytogenetic location: 13q13.1.
Variant type: single nucleotide variant.
Coding change: c.5420A>T on transcript NM_000059.4 (MANE Select); coding-DNA position 5420, A replaced by T.
Protein change: p.Asp1807Val; replaces aspartic acid 1807 with valine.
Molecular consequence: missense variant.
Genome position (GRCh38, 1-based): chr13:32,339,775, A>T. VCF-style: chr13-32339775-A-T. GRCh37 (hg19) VCF-style: chr13-32913912-A-T.
Other names: c.5420A>T, p.Asp1807Val (NM_001406719.1, NM_001406720.1); short protein forms D1807V.
Identifiers: ClinVar variation 2125213 (VCV002125213.6), dbSNP rs2137517375, ClinGen allele CA387785419.

ClinVar aggregate classification (germline): Conflicting classifications of pathogenicity. Review status: criteria provided, conflicting classifications (1 of 4 stars). 2 submissions from 2 submitters: Uncertain significance (1); Likely benign (1). Last evaluated 2023-03-23.

Conditions:
Hereditary cancer-predisposing syndrome. Also called: Hereditary neoplastic syndrome; Tumor predisposition; Hereditary Cancer Syndrome; Neoplastic Syndromes, Hereditary. Identifiers: Orphanet 140162, MedGen C0027672, MeSH D009386, MONDO:0015356.
Hereditary breast ovarian cancer syndrome. Also called: Hereditary breast and ovarian cancer syndrome; BRCA1- and BRCA2-Associated Hereditary Breast and Ovarian Cancer; Hereditary breast and ovarian cancer syndrome (HBOC); Hereditary breast and/or ovarian cancer syndrome; Hereditary breast and ovarian cancer; Breast and ovarian cancer. Identifiers: Orphanet 145, MedGen C0677776, MeSH D061325, MONDO:0003582. Disease mechanism: loss of function.

Submissions (2):

University of Washington Department of Laboratory Medicine, University of Washington
Classification: Likely benign for Hereditary cancer-predisposing syndrome. Last evaluated: 2023-03-23. Review status: criteria provided, single submitter. Criteria: Dines et al. (Genet Med. 2020). Collection method: curation. Allele origin: germline.
Comment: Missense variant in a coldspot region where missense variants are very unlikely to be pathogenic (PMID:31911673).

BRCA2 exon 11 coldspot. Reclassification based on statistical prior probability.

Labcorp Genetics (formerly Invitae), Labcorp
Classification: Uncertain significance for Hereditary breast ovarian cancer syndrome. Last evaluated: 2022-04-12. Review status: criteria provided, single submitter. Criteria: Invitae Variant Classification Sherloc (09022015). Collection method: clinical testing. Allele origin: germline.
Comment: In summary, the available evidence is currently insufficient to determine the role of this variant in disease. Therefore, it has been classified as a Variant of Uncertain Significance. Advanced modeling of protein sequence and biophysical properties (such as structural, functional, and spatial information, amino acid conservation, physicochemical variation, residue mobility, and thermodynamic stability) performed at Invitae indicates that this missense variant is not expected to disrupt BRCA2 protein function. This variant has not been reported in the literature in individuals affected with BRCA2-related conditions. This variant is not present in population databases (gnomAD no frequency). This sequence change replaces aspartic acid, which is acidic and polar, with valine, which is neutral and non-polar, at codon 1807 of the BRCA2 protein (p.Asp1807Val).